The following is an entry in ClinVar:

NM_000246.4(CIITA):c.614C>A (p.Thr205Asn)

Gene: CIITA (class II major histocompatibility complex transactivator; plus strand). Cytogenetic location: 16p13.13.
Variant type: single nucleotide variant.
Coding change: c.614C>A on transcript NM_000246.4 (MANE Select); coding-DNA position 614, C replaced by A.
Protein change: p.Thr205Asn; replaces threonine 205 with asparagine.
Molecular consequence: missense variant. On other transcripts: non-coding transcript variant (1), intron variant (3).
Genome position (GRCh38, 1-based): chr16:10,902,170, C>A. VCF-style: chr16-10902170-C-A. GRCh37 (hg19) VCF-style: chr16-10996027-C-A.
Other names: c.617C>A, p.Thr206Asn (NM_001286402.1, NM_001379332.1); c.614C>A, p.Thr205Asn (NM_001379333.1); c.545C>A, p.Thr182Asn (NM_001379334.1); c.485-488C>A (NM_001379330.1); c.482-488C>A (NM_001379331.1, NM_001286403.2); short protein forms T182N, T205N, T206N.
Identifiers: ClinVar variation 967325 (VCV000967325.8), dbSNP rs200545141, ClinGen allele CA7899827.

ClinVar aggregate classification (germline): Uncertain significance. Review status: criteria provided, multiple submitters, no conflicts (2 of 4 stars). 3 submissions from 3 submitters: Uncertain significance (2). 1 of the submissions does not count toward it. Last evaluated 2024-09-22.

Conditions:
MHC class II deficiency. Also called: Bare lymphocyte syndrome 2; BLS, TYPE II. Identifiers: Orphanet 572, MedGen C5447452, MONDO:0008855.

Allele frequency attached by ClinVar (database versions not stated): ExAC 0.00012; TOPMed 0.00012; gnomAD 0.00014; ESP Exome Variant Server 0.00015; gnomAD exomes 0.00015.
gnomAD v4.1: 240 of 1,614,054 alleles (0.015%); highest among the groups gnomAD compares: Admixed American, 0.02%; no homozygotes.

Submissions (3):

Blueprint Genetics
Classification: Uncertain significance. Last evaluated: 2024-09-22. Review status: criteria provided, single submitter. Criteria: ACMG Guidelines, 2015. Collection method: clinical testing. Allele origin: germline.

Labcorp Genetics (formerly Invitae), Labcorp
Classification: Uncertain significance for MHC class II deficiency. Last evaluated: 2022-10-19. Review status: criteria provided, single submitter. Criteria: Invitae Variant Classification Sherloc (09022015). Collection method: clinical testing. Allele origin: germline.
Comment: This sequence change replaces threonine, which is neutral and polar, with asparagine, which is neutral and polar, at codon 205 of the CIITA protein (p.Thr205Asn). This variant is present in population databases (rs200545141, gnomAD 0.1%). This variant has not been reported in the literature in individuals affected with CIITA-related conditions. ClinVar contains an entry for this variant (Variation ID: 967325). Algorithms developed to predict the effect of missense changes on protein structure and function are either unavailable or do not agree on the potential impact of this missense change (SIFT: "Deleterious"; PolyPhen-2: "Benign"; Align-GVGD: "Class C0"). In summary, the available evidence is currently insufficient to determine the role of this variant in disease. Therefore, it has been classified as a Variant of Uncertain Significance.

Natera, Inc.
Classification: Uncertain significance for Bare lymphocyte syndrome type II. Last evaluated: 2020-01-26. Review status: no assertion criteria provided. Collection method: clinical testing. Allele origin: germline. Not counted in ClinVar's aggregate classification.